The following is an entry in ClinVar:

NM_001376.5(DYNC1H1):c.3814C>T (p.Arg1272Cys)

Gene: DYNC1H1 (dynein cytoplasmic 1 heavy chain 1; plus strand). Cytogenetic location: 14q32.31.
Variant type: single nucleotide variant.
Coding change: c.3814C>T on transcript NM_001376.5 (MANE Select); coding-DNA position 3814, C replaced by T.
Protein change: p.Arg1272Cys; replaces arginine 1272 with cysteine.
Molecular consequence: missense variant.
Genome position (GRCh38, 1-based): chr14:101,999,998, C>T. VCF-style: chr14-101999998-C-T. GRCh37 (hg19) VCF-style: chr14-102466335-C-T.
Other names: short protein forms R1272C.
Identifiers: ClinVar variation 1306327 (VCV001306327.7), dbSNP rs2141284990, ClinGen allele CA391038043.

ClinVar aggregate classification (germline): Conflicting classifications of pathogenicity. Review status: criteria provided, conflicting classifications (1 of 4 stars). 2 submissions from 2 submitters: Pathogenic (1); Uncertain significance (1). Last evaluated 2024-08-01.

Conditions:
Charcot-Marie-Tooth disease axonal type 2O. Also called: CHARCOT-MARIE-TOOTH NEUROPATHY, AXONAL, TYPE 2O; CHARCOT-MARIE-TOOTH DISEASE, AXONAL, AUTOSOMAL DOMINANT, TYPE 2O; Charcot-Marie-Tooth Neuropathy Type 2O; Charcot-Marie-Tooth disease, axonal, type 20. Identifiers: Orphanet 284232, MedGen C3280220, MONDO:0013644, OMIM 614228.

Allele frequency attached by ClinVar (database versions not stated): gnomAD exomes below 0.00001.
gnomAD v4.1: 7 of 1,614,212 alleles (0.00043%); highest among the groups gnomAD compares: South Asian, 0.0011%; no homozygotes.

Submissions (2):

GeneDx
Classification: Uncertain significance. Last evaluated: 2024-08-01. Review status: criteria provided, single submitter. Criteria: GeneDx Variant Classification Process June 2021. Collection method: clinical testing. Allele origin: germline. Affected: yes.
Comment: Not observed at significant frequency in large population cohorts (gnomAD); In silico analysis supports that this missense variant has a deleterious effect on protein structure/function; Has not been previously published as pathogenic or benign to our knowledge

Labcorp Genetics (formerly Invitae), Labcorp
Classification: Pathogenic for Charcot-Marie-Tooth disease axonal type 2O. Last evaluated: 2022-11-20. Review status: criteria provided, single submitter. Criteria: Invitae Variant Classification Sherloc (09022015). Collection method: clinical testing. Allele origin: germline.
Comment: For these reasons, this variant has been classified as Pathogenic. Advanced modeling of protein sequence and biophysical properties (such as structural, functional, and spatial information, amino acid conservation, physicochemical variation, residue mobility, and thermodynamic stability) performed at Invitae indicates that this missense variant is expected to disrupt DYNC1H1 protein function. ClinVar contains an entry for this variant (Variation ID: 1306327). This missense change has been observed in individual(s) with clinical features of DYNC1H1-related conditions (Invitae). In at least one individual the variant was observed to be de novo. This variant is not present in population databases (gnomAD no frequency). This sequence change replaces arginine, which is basic and polar, with cysteine, which is neutral and slightly polar, at codon 1272 of the DYNC1H1 protein (p.Arg1272Cys).